The following is an entry in ClinVar:

ClinVar aggregate classification (germline): Likely benign (1 of 4 stars; one submission).

Submission:

CeGaT Center for Human Genetics Tuebingen
Classification: Likely benign. Last evaluated: 2026-02-01. Review status: criteria provided, single submitter. Criteria: CeGaT Center For Human Genetics Tuebingen Variant Classification Criteria Version 2. Collection method: clinical testing. Allele origin: germline. Affected: yes. Observed: 1 variant allele.
Comment: ASXL2: PM2:Supporting, BP4, BP7

NM_018263.6(ASXL2):c.3858C>A (p.Pro1286=)

Gene: ASXL2 (ASXL transcriptional regulator 2; minus strand). Cytogenetic location: 2p23.3.
Variant type: single nucleotide variant.
Coding change: c.3858C>A on transcript NM_018263.6 (MANE Select); coding-DNA position 3858, C replaced by A.
Protein change: p.Pro1286=; no amino-acid change (proline 1286 retained).
Molecular consequence: synonymous variant.
Genome position (GRCh38, 1-based): chr2:25,742,479, G>T on the plus strand (C>A on the coding strand, the complement: ASXL2 is on the minus strand). VCF-style: chr2-25742479-G-T. GRCh37 (hg19) VCF-style: chr2-25965348-G-T.
Other names: c.3684C>A, p.Pro1228= (NM_001369346.1); c.3078C>A, p.Pro1026= (NM_001369347.1).
Identifiers: ClinVar variation 4822768 (VCV004822768.4).